The following is an entry in ClinVar:

ClinVar aggregate classification (germline): Uncertain significance (1 of 4 stars; one submission).

Conditions:
Trichorhinophalangeal dysplasia type I (TRPS1). Also called: TRICHORHINOPHALANGEAL SYNDROME, TYPE I; TRPS I. Identifiers: Orphanet 77258, MedGen C0432233, MONDO:0008596, OMIM 190350.
Trichorhinophalangeal syndrome, type III (TRPS3). Also called: SUGIO-KAJII SYNDROME. Identifiers: Orphanet 77258, MedGen C1860823, OMIM 190351, MONDO:0008597.

Submission:

Labcorp Genetics (formerly Invitae), Labcorp
Classification: Uncertain significance for Trichorhinophalangeal syndrome, type III; Trichorhinophalangeal dysplasia type I. Last evaluated: 2025-08-09. Review status: criteria provided, single submitter. Criteria: Invitae Variant Classification Sherloc (09022015). Collection method: clinical testing. Allele origin: germline.
Comment: This sequence change replaces glutamine, which is neutral and polar, with glutamic acid, which is acidic and polar, at codon 54 of the TRPS1 protein (p.Gln54Glu). This variant is not present in population databases (gnomAD no frequency). This variant has not been reported in the literature in individuals affected with TRPS1-related conditions. An algorithm developed to predict the effect of missense changes on protein structure and function (PolyPhen-2) suggests that this variant is likely to be disruptive. In summary, the available evidence is currently insufficient to determine the role of this variant in disease. Therefore, it has been classified as a Variant of Uncertain Significance.

NM_014112.5(TRPS1):c.160C>G (p.Gln54Glu)

Gene: TRPS1 (transcriptional repressor GATA binding 1; minus strand). Cytogenetic location: 8q23.3.
Variant type: single nucleotide variant.
Coding change: c.160C>G on transcript NM_014112.5 (MANE Select); coding-DNA position 160, C replaced by G.
Protein change: p.Gln54Glu; replaces glutamine 54 with glutamic acid.
Molecular consequence: missense variant.
Genome position (GRCh38, 1-based): chr8:115,619,938, G>C on the plus strand (C>G on the coding strand, the complement: TRPS1 is on the minus strand). VCF-style: chr8-115619938-G-C. GRCh37 (hg19) VCF-style: chr8-116632165-G-C.
Other names: c.133C>G, p.Gln45Glu (NM_001282902.3); c.139C>G, p.Gln47Glu (NM_001282903.3); c.121C>G, p.Gln41Glu (NM_001330599.2); short protein forms Q47E, Q54E, Q45E, Q41E.
Identifiers: ClinVar variation 4785818 (VCV004785818.1).